The following is an entry in ClinVar:

ClinVar aggregate classification (germline): Uncertain significance. Review status: criteria provided, multiple submitters, no conflicts (2 of 4 stars). 2 submissions from 2 submitters: Uncertain significance (2). Last evaluated 2024-01-23.

Conditions:
Inborn genetic diseases. Identifiers: MedGen C0950123, MeSH D030342.

Allele frequency attached by ClinVar (database versions not stated): gnomAD exomes 0.00002; ExAC 0.00002.
gnomAD v4.1: 9 of 1,611,480 alleles (0.00056%); highest among the groups gnomAD compares: East Asian, 0.02%; no homozygotes.

Submissions (2):

Ambry Genetics
Classification: Uncertain significance for Inborn genetic diseases. Last evaluated: 2024-01-23. Review status: criteria provided, single submitter. Criteria: Ambry Variant Classification Scheme 2023. Collection method: clinical testing. Allele origin: germline.

Labcorp Genetics (formerly Invitae), Labcorp
Classification: Uncertain significance. Last evaluated: 2023-11-27. Review status: criteria provided, single submitter. Criteria: Invitae Variant Classification Sherloc (09022015). Collection method: clinical testing. Allele origin: germline.
Comment: This sequence change replaces leucine, which is neutral and non-polar, with serine, which is neutral and polar, at codon 1449 of the ASPM protein (p.Leu1449Ser). This variant is present in population databases (rs763268459, gnomAD 0.02%). This variant has not been reported in the literature in individuals affected with ASPM-related conditions. ClinVar contains an entry for this variant (Variation ID: 1470571). Advanced modeling of protein sequence and biophysical properties (such as structural, functional, and spatial information, amino acid conservation, physicochemical variation, residue mobility, and thermodynamic stability) has been performed at Invitae for this missense variant, however the output from this modeling did not meet the statistical confidence thresholds required to predict the impact of this variant on ASPM protein function. In summary, the available evidence is currently insufficient to determine the role of this variant in disease. Therefore, it has been classified as a Variant of Uncertain Significance.

NM_018136.5(ASPM):c.4346T>C (p.Leu1449Ser)

Gene: ASPM (assembly factor for spindle microtubules; minus strand). Cytogenetic location: 1q31.3.
Variant type: single nucleotide variant.
Coding change: c.4346T>C on transcript NM_018136.5 (MANE Select); coding-DNA position 4346, T replaced by C.
Protein change: p.Leu1449Ser; replaces leucine 1449 with serine.
Molecular consequence: missense variant. On other transcripts: intron variant (1).
Genome position (GRCh38, 1-based): chr1:197,104,905, A>G on the plus strand (T>C on the coding strand, the complement: ASPM is on the minus strand). VCF-style: chr1-197104905-A-G. GRCh37 (hg19) VCF-style: chr1-197074035-A-G.
Other names: c.4066-8741T>C (NM_001206846.2); c.4346T>C (NM_018136.4); short protein forms L1449S.
Identifiers: ClinVar variation 1470571 (VCV001470571.9), dbSNP rs763268459, ClinGen allele CA1309946.